The following is an entry in ClinVar:

NM_005002.5(NDUFA9):c.892T>C (p.Tyr298His)

Gene: NDUFA9 (NADH:ubiquinone oxidoreductase subunit A9; plus strand). Cytogenetic location: 12p13.32.
Variant type: single nucleotide variant.
Coding change: c.892T>C on transcript NM_005002.5 (MANE Select); coding-DNA position 892, T replaced by C.
Protein change: p.Tyr298His; replaces tyrosine 298 with histidine.
Molecular consequence: missense variant.
Genome position (GRCh38, 1-based): chr12:4,682,296, T>C. VCF-style: chr12-4682296-T-C. GRCh37 (hg19) VCF-style: chr12-4791462-T-C.
Other names: short protein forms Y298H.
Identifiers: ClinVar variation 2065170 (VCV002065170.5), dbSNP rs2498113506, ClinGen allele CA383425081.

ClinVar aggregate classification (germline): Uncertain significance. Review status: criteria provided, multiple submitters, no conflicts (2 of 4 stars). 2 submissions from 2 submitters: Uncertain significance (2). Last evaluated 2025-07-15.

Allele frequency attached by ClinVar (database versions not stated): gnomAD exomes below 0.00001.
gnomAD v4.1: 3 of 1,606,854 alleles (0.00019%); highest among the groups gnomAD compares: Non-Finnish European, 0.00026%; no homozygotes.

Submissions (2):

GeneDx
Classification: Uncertain significance. Last evaluated: 2025-07-15. Review status: criteria provided, single submitter. Criteria: GeneDx Variant Classification Process June 2021. Collection method: clinical testing. Allele origin: germline. Affected: yes.
Comment: Not observed at significant frequency in large population cohorts (gnomAD); In silico analysis suggests that this missense variant does not alter protein structure/function; Has not been previously published as pathogenic or benign to our knowledge

Labcorp Genetics (formerly Invitae), Labcorp
Classification: Uncertain significance. Last evaluated: 2022-08-24. Review status: criteria provided, single submitter. Criteria: Invitae Variant Classification Sherloc (09022015). Collection method: clinical testing. Allele origin: germline.
Comment: In summary, the available evidence is currently insufficient to determine the role of this variant in disease. Therefore, it has been classified as a Variant of Uncertain Significance. Algorithms developed to predict the effect of missense changes on protein structure and function are either unavailable or do not agree on the potential impact of this missense change (SIFT: "Deleterious"; PolyPhen-2: "Possibly Damaging"; Align-GVGD: "Class C0"). This variant has not been reported in the literature in individuals affected with NDUFA9-related conditions. This variant is not present in population databases (gnomAD no frequency). This sequence change replaces tyrosine, which is neutral and polar, with histidine, which is basic and polar, at codon 298 of the NDUFA9 protein (p.Tyr298His).